The following is an entry in ClinVar:

NM_019066.5(MAGEL2):c.1654C>A (p.Pro552Thr)

Gene: MAGEL2 (MAGE family member L2; minus strand). Cytogenetic location: 15q11.2.
Variant type: single nucleotide variant.
Coding change: c.1654C>A on transcript NM_019066.5 (MANE Select); coding-DNA position 1654, C replaced by A.
Protein change: p.Pro552Thr; replaces proline 552 with threonine.
Molecular consequence: missense variant.
Genome position (GRCh38, 1-based): chr15:23,646,089, G>T on the plus strand (C>A on the coding strand, the complement: MAGEL2 is on the minus strand). VCF-style: chr15-23646089-G-T. GRCh37 (hg19) VCF-style: chr15-23891236-G-T.
Other names: short protein forms P552T.
Identifiers: ClinVar variation 3373370 (VCV003373370.1).

ClinVar aggregate classification (germline): Uncertain significance (1 of 4 stars; one submission).

Submission:

GeneDx
Classification: Uncertain significance. Last evaluated: 2024-05-01. Review status: criteria provided, single submitter. Criteria: GeneDx Variant Classification Process June 2021. Collection method: clinical testing. Allele origin: germline. Affected: yes.
Comment: Not observed at significant frequency in large population cohorts (gnomAD); In-silico analysis is inconclusive as to whether the variant impacts protein structure/function. In the absence of functional studies, the actual effect of this sequence change is unknown; Has not been previously published as pathogenic or benign to our knowledge